The following is an entry in ClinVar:

ClinVar aggregate classification (germline): Uncertain significance (1 of 4 stars; one submission).

Allele frequency attached by ClinVar (database versions not stated): gnomAD exomes 0.00001.
gnomAD v4.1: 10 of 1,544,630 alleles (0.00065%); highest among the groups gnomAD compares: Non-Finnish European, 0.00079%; no homozygotes.

Submission:

Labcorp Genetics (formerly Invitae), Labcorp
Classification: Uncertain significance. Last evaluated: 2022-04-29. Review status: criteria provided, single submitter. Criteria: Invitae Variant Classification Sherloc (09022015). Collection method: clinical testing. Allele origin: germline.
Comment: In summary, the available evidence is currently insufficient to determine the role of this variant in disease. Therefore, it has been classified as a Variant of Uncertain Significance. Advanced modeling of protein sequence and biophysical properties (such as structural, functional, and spatial information, amino acid conservation, physicochemical variation, residue mobility, and thermodynamic stability) performed at Invitae indicates that this missense variant is expected to disrupt CPLANE1 protein function. This variant has not been reported in the literature in individuals affected with CPLANE1-related conditions. This variant is not present in population databases (gnomAD no frequency). This sequence change replaces valine, which is neutral and non-polar, with aspartic acid, which is acidic and polar, at codon 939 of the CPLANE1 protein (p.Val939Asp).

NM_001384732.1(CPLANE1):c.2816T>A (p.Val939Asp)

Gene: CPLANE1 (ciliogenesis and planar polarity effector complex subunit 1; minus strand). Cytogenetic location: 5p13.2.
Variant type: single nucleotide variant.
Coding change: c.2816T>A on transcript NM_001384732.1 (MANE Select); coding-DNA position 2816, T replaced by A.
Protein change: p.Val939Asp; replaces valine 939 with aspartic acid.
Molecular consequence: missense variant.
Genome position (GRCh38, 1-based): chr5:37,213,663, A>T on the plus strand (T>A on the coding strand, the complement: CPLANE1 is on the minus strand). VCF-style: chr5-37213663-A-T. GRCh37 (hg19) VCF-style: chr5-37213765-A-T.
Other names: c.2816T>A, p.Val939Asp (NM_023073.4); short protein forms V939D.
Identifiers: ClinVar variation 1931161 (VCV001931161.5), dbSNP rs2548379659, ClinGen allele CA359484241.